The following is an entry in ClinVar:

NM_005045.4(RELN):c.3541T>G (p.Phe1181Val)

Gene: RELN (reelin; minus strand). Cytogenetic location: 7q22.1.
Variant type: single nucleotide variant.
Coding change: c.3541T>G on transcript NM_005045.4 (MANE Select); coding-DNA position 3541, T replaced by G.
Protein change: p.Phe1181Val; replaces phenylalanine 1181 with valine.
Molecular consequence: missense variant.
Genome position (GRCh38, 1-based): chr7:103,594,491, A>C on the plus strand (T>G on the coding strand, the complement: RELN is on the minus strand). VCF-style: chr7-103594491-A-C. GRCh37 (hg19) VCF-style: chr7-103234938-A-C.
Other names: c.3541T>G, p.Phe1181Val (NM_173054.3); short protein forms F1181V.
Identifiers: ClinVar variation 859703 (VCV000859703.11), dbSNP rs773320636, ClinGen allele CA368759213.

ClinVar aggregate classification (germline): Uncertain significance. Review status: criteria provided, multiple submitters, no conflicts (2 of 4 stars). 3 submissions from 3 submitters: Uncertain significance (3). Last evaluated 2024-04-12.

Conditions:
Norman-Roberts syndrome (LIS2). Also called: Lissencephaly 2 (Norman-Roberts type). Identifiers: Orphanet 89844, MedGen C0796089, MONDO:0009760, OMIM 257320.
Familial temporal lobe epilepsy 7. Identifiers: Orphanet 101046, MedGen C4225327, MONDO:0014639, OMIM 616436.
Inborn genetic diseases. Identifiers: MedGen C0950123, MeSH D030342.

gnomAD v4.1: 3 of 1,613,796 alleles (0.00019%); highest among the groups gnomAD compares: Non-Finnish European, 0.00025%; no homozygotes.

Submissions (3):

Labcorp Genetics (formerly Invitae), Labcorp
Classification: Uncertain significance for Familial temporal lobe epilepsy 7; Norman-Roberts syndrome. Last evaluated: 2024-04-12. Review status: criteria provided, single submitter. Criteria: Invitae Variant Classification Sherloc (09022015). Collection method: clinical testing. Allele origin: germline.
Comment: This sequence change replaces phenylalanine, which is neutral and non-polar, with valine, which is neutral and non-polar, at codon 1181 of the RELN protein (p.Phe1181Val). This variant is present in population databases (no rsID available, gnomAD 0.0009%). This variant has not been reported in the literature in individuals affected with RELN-related conditions. ClinVar contains an entry for this variant (Variation ID: 859703). An algorithm developed to predict the effect of missense changes on protein structure and function (PolyPhen-2) suggests that this variant is likely to be disruptive. In summary, the available evidence is currently insufficient to determine the role of this variant in disease. Therefore, it has been classified as a Variant of Uncertain Significance.

Ambry Genetics
Classification: Uncertain significance for Inborn genetic diseases. Last evaluated: 2022-10-25. Review status: criteria provided, single submitter. Criteria: Ambry Variant Classification Scheme 2023. Collection method: clinical testing. Allele origin: germline.

GeneDx
Classification: Uncertain significance. Last evaluated: 2019-07-25. Review status: criteria provided, single submitter. Criteria: GeneDx Variant Classification Process June 2021. Collection method: clinical testing. Allele origin: germline. Affected: yes.
Comment: Not observed at a significant frequency in large population cohorts (Lek et al., 2016); In silico analysis, which includes protein predictors and evolutionary conservation, supports a deleterious effect; Has not been previously published as pathogenic or benign to our knowledge